The following is an entry in ClinVar:

ClinVar aggregate classification (germline): Likely benign. Review status: criteria provided, multiple submitters, no conflicts (2 of 4 stars). 3 submissions from 3 submitters: Likely benign (2). 1 of the submissions does not count toward it. Last evaluated 2025-04-23.

Conditions:
Inborn genetic diseases. Identifiers: MedGen C0950123, MeSH D030342.
THPO-related disorder. Also called: THPO-related condition.

gnomAD v4.1: 31 of 1,613,262 alleles (0.0019%); highest among the groups gnomAD compares: East Asian, 0.054%; no homozygotes.

Submissions (3):

Labcorp Genetics (formerly Invitae), Labcorp
Classification: Likely benign. Last evaluated: 2025-04-23. Review status: criteria provided, single submitter. Criteria: Invitae Variant Classification Sherloc (09022015). Collection method: clinical testing. Allele origin: germline.

Ambry Genetics
Classification: Likely benign for Inborn genetic diseases. Last evaluated: 2025-02-13. Review status: criteria provided, single submitter. Criteria: Ambry Variant Classification Scheme 2023. Collection method: clinical testing. Allele origin: germline.

PreventionGenetics, part of Exact Sciences
Classification: Likely benign for THPO-related condition. Last evaluated: 2024-07-30. Review status: no assertion criteria provided. Collection method: clinical testing. Allele origin: germline. Not counted in ClinVar's aggregate classification.
Comment: This variant is classified as likely benign based on ACMG/AMP sequence variant interpretation guidelines (Richards et al. 2015 PMID: 25741868, with internal and published modifications).

NM_000460.4(THPO):c.942C>T (p.Pro314=)

Gene: THPO (thrombopoietin; minus strand). Cytogenetic location: 3q27.1.
Variant type: single nucleotide variant.
Coding change: c.942C>T on transcript NM_000460.4 (MANE Select); coding-DNA position 942, C replaced by T.
Protein change: p.Pro314=; no amino-acid change (proline 314 retained).
Molecular consequence: synonymous variant. On other transcripts: missense variant (4).
Genome position (GRCh38, 1-based): chr3:184,372,633, G>A on the plus strand (C>T on the coding strand, the complement: THPO is on the minus strand). VCF-style: chr3-184372633-G-A. GRCh37 (hg19) VCF-style: chr3-184090421-G-A.
Other names: c.942C>T (NM_000460.2); c.930C>T, p.Pro310= (NM_001177597.2, NM_001290022.1); c.925C>T, p.His309Tyr (NM_001177598.2, NM_001290026.1); c.826C>T, p.His276Tyr (NM_001289997.1, NM_001290027.1); c.942C>T, p.Pro314= (NM_001289998.1, NM_001290028.1); c.1362C>T, p.Pro454= (NM_001290003.1); short protein forms H276Y, H309Y.
Identifiers: ClinVar variation 3353081 (VCV003353081.3).